The following is an entry in ClinVar:

NM_032043.3(BRIP1):c.1825A>C (p.Thr609Pro)

Gene: BRIP1 (BRCA1 interacting helicase 1; minus strand). Cytogenetic location: 17q23.2.
Variant type: single nucleotide variant.
Coding change: c.1825A>C on transcript NM_032043.3 (MANE Select); coding-DNA position 1825, A replaced by C.
Protein change: p.Thr609Pro; replaces threonine 609 with proline.
Molecular consequence: missense variant.
Genome position (GRCh38, 1-based): chr17:61,780,371, T>G on the plus strand (A>C on the coding strand, the complement: BRIP1 is on the minus strand). VCF-style: chr17-61780371-T-G. GRCh37 (hg19) VCF-style: chr17-59857732-T-G.
Other names: short protein forms T609P.
Identifiers: ClinVar variation 1201068 (VCV001201068.3), dbSNP rs189758577, ClinGen allele CA400480167.

ClinVar aggregate classification (germline): Uncertain significance (1 of 4 stars; one submission).

Submission:

GeneDx
Classification: Uncertain significance. Last evaluated: 2019-05-20. Review status: criteria provided, single submitter. Criteria: GeneDx Variant Classification Process June 2021. Collection method: clinical testing. Allele origin: germline. Affected: yes.
Comment: Not observed in large population cohorts (Lek et al., 2016); Has not been previously published as pathogenic or benign to our knowledge